The following is an entry in ClinVar:

ClinVar aggregate classification (germline): Uncertain significance. Review status: criteria provided, multiple submitters, no conflicts (2 of 4 stars). 2 submissions from 2 submitters: Uncertain significance (2). Last evaluated 2025-07-20.

Conditions:
Hereditary cancer-predisposing syndrome. Also called: Hereditary neoplastic syndrome; Tumor predisposition; Neoplastic Syndromes, Hereditary; Hereditary Cancer Syndrome. Identifiers: Orphanet 140162, MedGen C0027672, MeSH D009386, MONDO:0015356.
Oligodontia-cancer predisposition syndrome. Also called: TOOTH AGENESIS-COLORECTAL CANCER SYNDROME. Identifiers: Orphanet 300576, MedGen C1837750, MONDO:0012075, OMIM 608615. Disease mechanism: loss of function.

Submissions (2):

Ambry Genetics
Classification: Uncertain significance for Hereditary cancer-predisposing syndrome. Last evaluated: 2025-07-20. Review status: criteria provided, single submitter. Criteria: Ambry Variant Classification Scheme 2023. Collection method: clinical testing. Allele origin: germline.
Comment: The p.E59K variant (also known as c.175G>A), located in coding exon 1 of the AXIN2 gene, results from a G to A substitution at nucleotide position 175. The glutamic acid at codon 59 is replaced by lysine, an amino acid with similar properties. This amino acid position is well conserved in available vertebrate species. In addition, the in silico prediction for this alteration is inconclusive. Since supporting evidence is limited at this time, the clinical significance of this alteration remains unclear.

Labcorp Genetics (formerly Invitae), Labcorp
Classification: Uncertain significance for Oligodontia-cancer predisposition syndrome. Last evaluated: 2022-01-17. Review status: criteria provided, single submitter. Criteria: Invitae Variant Classification Sherloc (09022015). Collection method: clinical testing. Allele origin: germline.
Comment: In summary, the available evidence is currently insufficient to determine the role of this variant in disease. Therefore, it has been classified as a Variant of Uncertain Significance. Algorithms developed to predict the effect of missense changes on protein structure and function are either unavailable or do not agree on the potential impact of this missense change (SIFT: "Tolerated"; PolyPhen-2: "Probably Damaging"; Align-GVGD: "Class C0"). This variant is not present in population databases (gnomAD no frequency). This variant has not been reported in the literature in individuals affected with AXIN2-related conditions. This sequence change replaces glutamic acid, which is acidic and polar, with lysine, which is basic and polar, at codon 59 of the AXIN2 protein (p.Glu59Lys).

NM_004655.4(AXIN2):c.175G>A (p.Glu59Lys)

Gene: AXIN2 (axin 2; minus strand). Cytogenetic location: 17q24.1.
Variant type: single nucleotide variant.
Coding change: c.175G>A on transcript NM_004655.4 (MANE Select); coding-DNA position 175, G replaced by A.
Protein change: p.Glu59Lys; replaces glutamic acid 59 with lysine.
Molecular consequence: missense variant.
Genome position (GRCh38, 1-based): chr17:65,558,446, C>T on the plus strand (G>A on the coding strand, the complement: AXIN2 is on the minus strand). VCF-style: chr17-65558446-C-T. GRCh37 (hg19) VCF-style: chr17-63554564-C-T.
Other names: c.175G>A, p.Glu59Lys (NM_001363813.1); short protein forms E59K.
Identifiers: ClinVar variation 1502832 (VCV001502832.11), dbSNP rs773477442, ClinGen allele CA400681965.